The following is an entry in ClinVar:

ClinVar aggregate classification (germline): Pathogenic/Likely pathogenic. Review status: criteria provided, multiple submitters, no conflicts (2 of 4 stars). 3 submissions from 3 submitters: Pathogenic (2); Likely pathogenic (1). Last evaluated 2025-07-11.

Conditions:
Kidney failure. Identifiers: MedGen C0035078, MONDO:0001106.
OFD1-related ciliopathy. Identifiers: MedGen CN379779, MONDO:1040039.
Joubert syndrome. Also called: CEREBELLOPARENCHYMAL DISORDER IV; JOUBERT-BOLTSHAUSER SYNDROME; Familial aplasia of the vermis. Identifiers: Orphanet 475, MedGen C5979921, MONDO:0018772.
Orofaciodigital syndrome I (OFD1). Also called: OFDS I; Papillon-Leage and Psaume Syndrome; Oral-Facial-Digital Syndrome Type I. Identifiers: Orphanet 2750, MedGen C1510460, MONDO:0010702, OMIM 311200.

Submissions (3):

Rady Children's Institute for Genomic Medicine, Rady Children's Hospital San Diego
Classification: Likely pathogenic for OFD1-related ciliopathy. Last evaluated: 2025-07-11. Review status: criteria provided, single submitter. Criteria: ACMG Guidelines, 2015. Collection method: clinical testing. Allele origin: germline. Affected: yes.
Comment: This frameshifting variant in exon 15 of 23 is predicted to result in loss of normal protein function through either protein truncation or nonsense-mediated mRNA decay. Loss-of-function variation in OFD1 is an established mechanism of disease in OFD1-related ciliopathy (PMID: 20301367). This variant has not been previously reported or functionally characterized in the literature to our knowledge. The c.1651_1654del (p.Thr551ProfsTer2) variant is absent from the latest version of the gnomAD population database and thus is presumed to be rare. Based on the available evidence, c.1651_1654del (p.Thr551ProfsTer2) is classified as Likely Pathogenic.

Labcorp Genetics (formerly Invitae), Labcorp
Classification: Pathogenic for Orofaciodigital syndrome I; Joubert syndrome. Last evaluated: 2023-11-11. Review status: criteria provided, single submitter. Criteria: Invitae Variant Classification Sherloc (09022015). Collection method: clinical testing. Allele origin: germline.
Comment: This sequence change creates a premature translational stop signal (p.Thr551Profs*2) in the OFD1 gene. It is expected to result in an absent or disrupted protein product. Loss-of-function variants in OFD1 are known to be pathogenic (PMID: 16783569, 18546297, 27081566). This variant is not present in population databases (gnomAD no frequency). This variant has not been reported in the literature in individuals affected with OFD1-related conditions. For these reasons, this variant has been classified as Pathogenic.

Cambridge Genomics Laboratory, East Genomic Laboratory Hub, NHS Genomic Medicine Service
Classification: Pathogenic for Kidney failure. Last evaluated: 2020-03-30. Review status: criteria provided, single submitter. Criteria: ACGS Best Practice Guidelines for Variant Classification in Rare Disease 2020. Collection method: clinical testing. Allele origin: germline. Affected: yes. Observed: 1 variant allele.

Literature cited by the submitters: PubMed 20301367 (cited by Rady Children's Institute for Genomic Medicine, Rady Children's Hospital San Diego); PubMed 16783569 (cited by Labcorp Genetics (formerly Invitae), Labcorp); PubMed 18546297 (cited by Labcorp Genetics (formerly Invitae), Labcorp); PubMed 27081566 (cited by Labcorp Genetics (formerly Invitae), Labcorp).

NM_003611.3(OFD1):c.1651_1654del (p.Thr551fs)

Gene: OFD1 (OFD1 centriole and centriolar satellite protein; plus strand). Cytogenetic location: Xp22.2.
Variant type: Deletion.
Coding change: c.1651_1654del on transcript NM_003611.3 (MANE Select); coding-DNA positions 1651 to 1654, 4 bases deleted (ACAG; older notation c.1651_1654delACAG).
Protein change: p.Thr551fs; shifts the reading frame from threonine 551.
Molecular consequence: frameshift variant.
Genome position (GRCh38, 1-based): chrX:13,758,445-13,758,448, ACAG deleted; deleting any 4 consecutive bases within chrX:13,758,442-13,758,448 gives the same sequence; the c. name uses the placement nearest the transcript's 3' end. VCF-style (leftmost placement, unchanged base first): chrX-13758441-TCAGA-T. GRCh37 (hg19) VCF-style: chrX-13776560-TCAGA-T.
Other names: c.1531_1534del, p.Thr511fs (NM_001330209.2); c.1231_1234del, p.Thr411fs (NM_001330210.2); short protein forms T511fs, T551fs, T411fs.
Identifiers: ClinVar variation 2942258 (VCV002942258.5), dbSNP rs2518924877, ClinGen allele CA2740092018.
Genomic context (GRCh38, chrX:13,758,441, plus strand): 5'-AGCTTCTGTAAAGAGTTTAACTACTCAGGTTGCCGATTTAAAATTGCAACTGAAGCAAAC[TCAGA>T]CAGGTTAGAGACGTTTTAACCCATAAATATTTTTGTATGTATAAAGCTTCTGGTGTCTGT-3'